The following is an entry in ClinVar:

NM_001130009.3(GEN1):c.1685C>G (p.Ser562Cys)

Gene: GEN1 (GEN1 structure-specific endonuclease; plus strand). Cytogenetic location: 2p24.2.
Variant type: single nucleotide variant.
Coding change: c.1685C>G on transcript NM_001130009.3 (MANE Select); coding-DNA position 1685, C replaced by G.
Protein change: p.Ser562Cys; replaces serine 562 with cysteine.
Molecular consequence: missense variant.
Genome position (GRCh38, 1-based): chr2:17,780,897, C>G. VCF-style: chr2-17780897-C-G. GRCh37 (hg19) VCF-style: chr2-17962164-C-G.
Other names: c.1685C>G (NM_001130009.1); c.1685C>G, p.Ser562Cys (NM_182625.5); short protein forms S562C.
Identifiers: ClinVar variation 2890738 (VCV002890738.4), dbSNP rs1672793961, ClinGen allele CA345926404.
Genomic context (GRCh38, chr2:17,780,897, plus strand): 5'-AACAGTTCATGTCTTCTCTAAGACCTTTGGCTATACAGCAAATTAAAGCTGTCAGTAAGT[C>G]TCTAATTTCAGAATCTAGTCAACCCAATACCTCATCTCATAATATATCCGTGATTGCTGA-3'
Protein context (NP_001123481.3, residues 552-572): AIQQIKAVSK[Ser562Cys]LISESSQPNT

ClinVar aggregate classification (germline): Uncertain significance. Review status: criteria provided, multiple submitters, no conflicts (2 of 4 stars). 2 submissions from 2 submitters: Uncertain significance (2). Last evaluated 2024-11-30.

Allele frequency attached by ClinVar (database versions not stated): TOPMed below 0.00001; gnomAD exomes 0.00001.
gnomAD v4.1: 12 of 1,613,900 alleles (0.00074%); highest among the groups gnomAD compares: Non-Finnish European, 0.001%; no homozygotes.

Submissions (2):

Ambry Genetics
Classification: Uncertain significance. Last evaluated: 2024-11-30. Review status: criteria provided, single submitter. Criteria: Ambry Variant Classification Scheme 2023. Collection method: clinical testing. Allele origin: germline.
Comment: The p.S562C variant (also known as c.1685C>G), located in coding exon 13 of the GEN1 gene, results from a C to G substitution at nucleotide position 1685. The serine at codon 562 is replaced by cysteine, an amino acid with dissimilar properties. This amino acid position is conserved. In addition, this alteration is predicted to be tolerated by in silico analysis. Based on the available evidence, the clinical significance of this variant remains unclear.

Labcorp Genetics (formerly Invitae), Labcorp
Classification: Uncertain significance. Last evaluated: 2024-09-03. Review status: criteria provided, single submitter. Criteria: Invitae Variant Classification Sherloc (09022015). Collection method: clinical testing. Allele origin: germline.
Comment: This sequence change replaces serine, which is neutral and polar, with cysteine, which is neutral and slightly polar, at codon 562 of the GEN1 protein (p.Ser562Cys). This variant is not present in population databases (gnomAD no frequency). This variant has not been reported in the literature in individuals affected with GEN1-related conditions. An algorithm developed to predict the effect of missense changes on protein structure and function (PolyPhen-2) suggests that this variant is likely to be disruptive. In summary, the available evidence is currently insufficient to determine the role of this variant in disease. Therefore, it has been classified as a Variant of Uncertain Significance.